The following is an entry in ClinVar:

NM_001122769.3(LCA5):c.338A>G (p.Asn113Ser)

Gene: LCA5 (lebercilin LCA5; minus strand). Cytogenetic location: 6q14.1.
Variant type: single nucleotide variant.
Coding change: c.338A>G on transcript NM_001122769.3 (MANE Select); coding-DNA position 338, A replaced by G.
Protein change: p.Asn113Ser; replaces asparagine 113 with serine.
Molecular consequence: missense variant.
Genome position (GRCh38, 1-based): chr6:79,513,594, T>C on the plus strand (A>G on the coding strand, the complement: LCA5 is on the minus strand). VCF-style: chr6-79513594-T-C. GRCh37 (hg19) VCF-style: chr6-80223311-T-C.
Other names: c.338A>G, p.Asn113Ser (NM_181714.4); short protein forms N113S.
Identifiers: ClinVar variation 707360 (VCV000707360.23), dbSNP rs181890907, ClinGen allele CA3901135.

ClinVar aggregate classification (germline): Conflicting classifications of pathogenicity. Review status: criteria provided, conflicting classifications (1 of 4 stars). 5 submissions from 5 submitters: Uncertain significance (1); Benign (1); Likely benign (2). 1 of the submissions does not count toward it. Last evaluated 2025-12-31.

Conditions:
Leber congenital amaurosis (LCA). Also called: Leber's amaurosis. Identifiers: Orphanet 65, MedGen C0339527, MeSH D057130, MONDO:0018998.
LCA5-related disorder. Also called: LCA5-related condition.
Leber congenital amaurosis 5 (LCA5). Also called: Amaurosis congenita of Leber, type 5. Identifiers: Orphanet 65, MedGen C1858301, MONDO:0011473, OMIM 604537.

Allele frequency attached by ClinVar (database versions not stated): gnomAD 0.00020 and 0.00023; TOPMed 0.00032; ExAC 0.00038; 1000 Genomes Project 0.00040; gnomAD exomes 0.00042; 1000 Genomes Project 30x 0.00062.
gnomAD v4.1: 300 of 1,613,998 alleles (0.019%); highest among the groups gnomAD compares: Admixed American, 0.12%; 4 homozygotes.

Submissions (5):

Labcorp Genetics (formerly Invitae), Labcorp
Classification: Benign. Last evaluated: 2025-12-31. Review status: criteria provided, single submitter. Criteria: Invitae Variant Classification Sherloc (09022015). Collection method: clinical testing. Allele origin: germline.

PreventionGenetics, part of Exact Sciences
Classification: Likely benign for LCA5-related condition. Last evaluated: 2025-01-27. Review status: criteria provided, single submitter. Criteria: ACMG Guidelines, 2015. Collection method: clinical testing. Allele origin: germline.
Comment: This variant is classified as likely benign based on ACMG/AMP sequence variant interpretation guidelines (Richards et al. 2015 PMID: 25741868, with internal and published modifications).

Blueprint Genetics
Classification: Likely benign. Last evaluated: 2024-11-08. Review status: criteria provided, single submitter. Criteria: ACMG Guidelines, 2015. Collection method: clinical testing. Allele origin: germline.

ARUP Laboratories, Molecular Genetics and Genomics, ARUP Laboratories
Classification: Uncertain significance for Leber congenital amaurosis 5. Last evaluated: 2023-11-22. Review status: criteria provided, single submitter. Criteria: ARUP Molecular Germline Variant Investigation Process 2024. Collection method: clinical testing. Allele origin: germline.
Comment: The LCA5 c.338A>G; p.Asn113Ser variant (rs181890907), to our knowledge, is not reported in the medical literature or gene specific databases. This variant is found in the Latino population with an overall allele frequency of 0.16 % (58 / 35,426 alleles, including 1 homozygotes) in the Genome Aggregation Database. The asparagine at codon 113 is moderately conserved and computational analyses (SIFT: tolerated, PolyPhen-2: benign, splicing: New donor site) predict conflicting effects of this variant on protein structure/function. Due to limited information, the clinical significance of the p.Asn113Ser variant is uncertain at this time.

Natera, Inc.
Classification: Likely benign for Leber congenital amaurosis. Last evaluated: 2020-06-08. Review status: no assertion criteria provided. Collection method: clinical testing. Allele origin: germline. Not counted in ClinVar's aggregate classification.